The following is an entry in ClinVar:

NM_000492.4(CFTR):c.181C>T (p.Leu61=)

Genes: CFTR (CF transmembrane conductance regulator; plus strand), LOC113664106 (CFTR intron 2 DNase I hypersensitive site; plus strand). Cytogenetic location: 7q31.2.
Variant type: single nucleotide variant.
Coding change: c.181C>T on transcript NM_000492.4 (MANE Select); coding-DNA position 181, C replaced by T.
Protein change: p.Leu61=; no amino-acid change (leucine 61 retained).
Molecular consequence: synonymous variant.
Genome position (GRCh38, 1-based): chr7:117,509,050, C>T. VCF-style: chr7-117509050-C-T. GRCh37 (hg19) VCF-style: chr7-117149104-C-T.
Identifiers: ClinVar variation 1780738 (VCV001780738.4), dbSNP rs2484975171, ClinGen allele CA457225676.

ClinVar aggregate classification (germline): Likely benign. Review status: criteria provided, single submitter (1 of 4 stars). 2 submissions from 2 submitters: Likely benign (1). 1 of the submissions does not count toward it. Last evaluated 2020-01-09.

Conditions:
CFTR-related disorder (CFTR-RD). Also called: CFTR-related condition; CFTR-related disorders. Identifiers: MedGen C5924204, MONDO:7770004.
Cystic fibrosis (CF). Also called: MUCOVISCIDOSIS. Identifiers: Orphanet 586, MedGen C0010674, MONDO:0009061, OMIM 219700. Disease mechanism: loss of function.

Allele frequency attached by ClinVar (database versions not stated): gnomAD exomes below 0.00001.
gnomAD v4.1: 1 of 1,609,690 alleles (0.000062%); highest among the groups gnomAD compares: Non-Finnish European, 0.000085%; no homozygotes.

Submissions (2):

Ambry Genetics
Classification: Likely benign for Cystic fibrosis. Last evaluated: 2020-01-09. Review status: criteria provided, single submitter. Criteria: Ambry Variant Classification Scheme 2023. Collection method: clinical testing. Allele origin: germline.

PreventionGenetics, part of Exact Sciences
Classification: Likely benign for CFTR-related condition. Last evaluated: 2021-04-14. Review status: no assertion criteria provided. Collection method: clinical testing. Allele origin: germline. Not counted in ClinVar's aggregate classification.
Comment: This variant is classified as likely benign based on ACMG/AMP sequence variant interpretation guidelines (Richards et al. 2015 PMID: 25741868, with internal and published modifications).